The following is an entry in ClinVar:

NM_000329.3(RPE65):c.298A>C (p.Ile100Leu)

Gene: RPE65 (retinoid isomerohydrolase RPE65; minus strand). Cytogenetic location: 1p31.3.
Variant type: single nucleotide variant.
Coding change: c.298A>C on transcript NM_000329.3 (MANE Select); coding-DNA position 298, A replaced by C.
Protein change: p.Ile100Leu; replaces isoleucine 100 with leucine.
Molecular consequence: missense variant.
Genome position (GRCh38, 1-based): chr1:68,444,831, T>G on the plus strand (A>C on the coding strand, the complement: RPE65 is on the minus strand). VCF-style: chr1-68444831-T-G. GRCh37 (hg19) VCF-style: chr1-68910514-T-G.
Other names: short protein forms I100L.
Identifiers: ClinVar variation 857778 (VCV000857778.5), dbSNP rs142626873, ClinGen allele CA902548.
Genomic context (GRCh38, chr1:68,444,831, plus strand): 5'-GTAACCTGGAAAATATATTCTTGCAGGGATCTGGGAAAGCACAGGTGCCAAATTCTGTTA[T>G]GACGATCCTTTTCTCAGTCATTGCCCGTACGTAAGCATCAGTGCGGATGAACCTGAAGGA-3'
Protein context (NP_000320.1, residues 90-110): VRAMTEKRIV[Ile100Leu]TEFGTCAFPD

ClinVar aggregate classification (germline): Uncertain significance. Review status: criteria provided, single submitter (1 of 4 stars). 2 submissions from 2 submitters: Uncertain significance (1). 1 of the submissions does not count toward it. Last evaluated 2025-06-05.

Conditions:
Leber congenital amaurosis 2 (LCA2). Also called: Autosomal Recessive RPE65-Related Retinal Degeneration; AMAUROSIS CONGENITA OF LEBER II. Identifiers: Orphanet 65, MedGen C1859844, MONDO:0008765, OMIM 204100. Disease mechanism: loss of function.
Retinitis pigmentosa 20 (RP20). Identifiers: Orphanet 791, MedGen C3151086, MONDO:0013425, OMIM 613794.
Leber congenital amaurosis (LCA). Also called: Leber's amaurosis. Identifiers: Orphanet 65, MedGen C0339527, MeSH D057130, MONDO:0018998.

Allele frequency attached by ClinVar (database versions not stated): ExAC 0.00002; gnomAD exomes 0.00002; gnomAD 0.00012 and 0.00013; TOPMed 0.00015; ESP Exome Variant Server 0.00031.
gnomAD v4.1: 29 of 1,614,128 alleles (0.0018%); highest among the groups gnomAD compares: African/African-American, 0.039%; no homozygotes.

Submissions (2):

Labcorp Genetics (formerly Invitae), Labcorp
Classification: Uncertain significance for Leber congenital amaurosis 2; Retinitis pigmentosa 20. Last evaluated: 2025-06-05. Review status: criteria provided, single submitter. Criteria: Invitae Variant Classification Sherloc (09022015). Collection method: clinical testing. Allele origin: germline.
Comment: This sequence change replaces isoleucine, which is neutral and non-polar, with leucine, which is neutral and non-polar, at codon 100 of the RPE65 protein (p.Ile100Leu). This variant is present in population databases (rs142626873, gnomAD 0.03%). This variant has not been reported in the literature in individuals affected with RPE65-related conditions. ClinVar contains an entry for this variant (Variation ID: 857778). Invitae Evidence Modeling of protein sequence and biophysical properties (such as structural, functional, and spatial information, amino acid conservation, physicochemical variation, residue mobility, and thermodynamic stability) indicates that this missense variant is not expected to disrupt RPE65 protein function with a negative predictive value of 80%. In summary, the available evidence is currently insufficient to determine the role of this variant in disease. Therefore, it has been classified as a Variant of Uncertain Significance.

Natera, Inc.
Classification: Uncertain significance for Leber congenital amaurosis. Last evaluated: 2020-09-16. Review status: no assertion criteria provided. Collection method: clinical testing. Allele origin: germline. Not counted in ClinVar's aggregate classification.